The following is an entry in ClinVar:

ClinVar aggregate classification (germline): Likely benign. Review status: criteria provided, single submitter (1 of 4 stars). 2 submissions from 2 submitters: Likely benign (1). 1 of the submissions does not count toward it. Last evaluated 2025-12-20.

Conditions:
CTDP1-related disorder. Also called: CTDP1-related condition.

Allele frequency attached by ClinVar (database versions not stated): gnomAD 0.00001; ExAC 0.00073.
gnomAD v4.1: 70 of 1,545,960 alleles (0.0045%); highest among the groups gnomAD compares: South Asian, 0.067%; 1 homozygote.

Submissions (2):

Labcorp Genetics (formerly Invitae), Labcorp
Classification: Likely benign. Last evaluated: 2025-12-20. Review status: criteria provided, single submitter. Criteria: Invitae Variant Classification Sherloc (09022015). Collection method: clinical testing. Allele origin: germline.

PreventionGenetics, part of Exact Sciences
Classification: Uncertain significance for CTDP1-related condition. Last evaluated: 2024-08-15. Review status: no assertion criteria provided. Collection method: clinical testing. Allele origin: germline. Not counted in ClinVar's aggregate classification.
Comment: The CTDP1 c.2561C>T variant is predicted to result in the amino acid substitution p.Ala854Val. To our knowledge, this variant has not been reported in the literature. This variant is reported in 0.066% of alleles in individuals of South Asian descent in gnomAD. At this time, the clinical significance of this variant is uncertain due to the absence of conclusive functional and genetic evidence.

NM_004715.5(CTDP1):c.2724C>T (p.Ser908=)

Gene: CTDP1 (CTD phosphatase subunit 1; plus strand). Cytogenetic location: 18q23.
Variant type: single nucleotide variant.
Coding change: c.2724C>T on transcript NM_004715.5 (MANE Select); coding-DNA position 2724, C replaced by T.
Protein change: p.Ser908=; no amino-acid change (serine 908 retained).
Molecular consequence: synonymous variant. On other transcripts: missense variant (1), intron variant (1).
Genome position (GRCh38, 1-based): chr18:79,736,498, C>T. VCF-style: chr18-79736498-C-T. GRCh37 (hg19) VCF-style: chr18-77496498-C-T.
Other names: c.2367C>T, p.Ser789= (NM_001202504.1); c.2561C>T, p.Ala854Val (NM_048368.4); c.2580+7429C>T (NM_001318511.2); c.2561C>T (NM_048368.3); short protein forms A854V.
Identifiers: ClinVar variation 1973389 (VCV001973389.6), dbSNP rs775966859, ClinGen allele CA9010681.